The following is an entry in ClinVar:

ClinVar aggregate classification (germline): Uncertain significance (1 of 4 stars; one submission).

Conditions:
Leber congenital amaurosis 3 (LCA3). Also called: SPATA7-Related Retinitis Pigmentosa. Identifiers: MedGen C1858677, MONDO:0011415, OMIM 604232.

Allele frequency attached by ClinVar (database versions not stated): gnomAD exomes below 0.00001; TOPMed 0.00001.
gnomAD v4.1: 1 of 1,608,928 alleles (0.000062%); highest among the groups gnomAD compares: African/African-American, 0.0013%; no homozygotes.

Submission:

Labcorp Genetics (formerly Invitae), Labcorp
Classification: Uncertain significance for Leber congenital amaurosis 3. Last evaluated: 2021-08-28. Review status: criteria provided, single submitter. Criteria: Invitae Variant Classification Sherloc (09022015). Collection method: clinical testing. Allele origin: germline.
Comment: This sequence change replaces histidine with tyrosine at codon 402 of the SPATA7 protein (p.His402Tyr). The histidine residue is highly conserved and there is a moderate physicochemical difference between histidine and tyrosine. This variant is not present in population databases (ExAC no frequency). This variant has not been reported in the literature in individuals affected with SPATA7-related conditions. Algorithms developed to predict the effect of missense changes on protein structure and function are either unavailable or do not agree on the potential impact of this missense change (SIFT: "Deleterious"; PolyPhen-2: "Benign"; Align-GVGD: "Class C0"). In summary, the available evidence is currently insufficient to determine the role of this variant in disease. Therefore, it has been classified as a Variant of Uncertain Significance.

NM_018418.5(SPATA7):c.1204C>T (p.His402Tyr)

Gene: SPATA7 (spermatogenesis associated 7; plus strand). Cytogenetic location: 14q31.3.
Variant type: single nucleotide variant.
Coding change: c.1204C>T on transcript NM_018418.5 (MANE Select); coding-DNA position 1204, C replaced by T.
Protein change: p.His402Tyr; replaces histidine 402 with tyrosine.
Molecular consequence: missense variant.
Genome position (GRCh38, 1-based): chr14:88,437,586, C>T. VCF-style: chr14-88437586-C-T. GRCh37 (hg19) VCF-style: chr14-88903930-C-T.
Other names: c.1108C>T, p.His370Tyr (NM_001040428.4); short protein forms H402Y, H370Y.
Identifiers: ClinVar variation 1515156 (VCV001515156.5), dbSNP rs2077124089, ClinGen allele CA390570700.